The following is an entry in ClinVar:

ClinVar aggregate classification (germline): Likely pathogenic (3 of 4 stars; one submission).

Conditions:
Juvenile retinoschisis (RS1). Also called: X-linked retinoschisis; X-Linked Juvenile Retinoschisis. Identifiers: Orphanet 792, MedGen C3714753, MONDO:0010725, OMIM 312700.

Submission:

ClinGen X-linked Inherited Retinal Disease Variant Curation Expert Panel, ClinGen
Classification: Likely pathogenic for Juvenile retinoschisis. Last evaluated: 2026-09-26. Review status: reviewed by expert panel. Criteria: ClinGen X LinkedIRD ACMG Specifications RS1 V1.0.0. Collection method: curation. Allele origin: germline. Inheritance: X-linked inheritance.
Comment: NM_000330.4(RS1):c.14del (p.Ile5LysfsTer?) is a frameshift variant caused by a one-nucleotide deletion, which introduces a premature stop codon in exon 1 of 6 and is predicted to trigger nonsense-mediated decay (PVS1). This variant is absent from hemizygous individuals in gnomAD v4.1.0 (PM2_Supporting). At least one proband harboring this variant exhibits a phenotype including reduced visual acuity (BCVA 0.05/0.25), foveo-lamellar schisis, peripheral schisis, vascular abnormalities, inner retinal break, retinal pigment epithelial alteration or mottling, and electroretinogram responses with reduced b-wave amplitudes, which are not sufficient to meet PP4 for X-linked retinoschisis in the absence of a reported age of onset (PMIDs: 31165590, 33124204). In summary, this variant is classified as likely pathogenic for X-linked retinoschisis based on the ClinGen X-linked Inherited Retinal Disease Expert Panel Specifications to the ACMG/AMP Variant Interpretation Guidelines for RS1 Version 1.0.0: PM2_Supporting and PVS1.

NM_000330.4(RS1):c.14del (p.Ile5fs)

Gene: RS1 (retinoschisin 1; minus strand). Cytogenetic location: Xp22.13.
Variant type: Deletion.
Coding change: c.14del on transcript NM_000330.4 (MANE Select); coding-DNA position 14, one base deleted (T; older notation c.14delT).
Protein change: p.Ile5fs; shifts the reading frame from isoleucine 5.
Molecular consequence: frameshift variant.
Genome position (GRCh38, 1-based): chrX:18,672,055, A deleted on the plus strand (T on the coding strand, the reverse complement: RS1 is on the minus strand). VCF-style (leftmost placement, unchanged base first): chrX-18672054-TA-T. GRCh37 (hg19) VCF-style: chrX-18690174-TA-T.
Other names: NM_000330.4:c.14del; short protein forms I5fs.
Identifiers: ClinVar variation 4976892 (VCV004976892.1).